The following continues an entry in ClinVar:

NM_001042492.3(NF1):c.1541_1542del (p.Gln514fs)

Gene: NF1. ClinVar aggregate classification (germline): Pathogenic. Pathogenic (31).

Submissions 10 to 34 of 34:

Institute for Genomic Medicine (IGM) Clinical Laboratory, Nationwide Children's Hospital
Classification: Pathogenic for Neurofibromatosis, type 1. Last evaluated: 2025-01-06. Review status: criteria provided, single submitter. Criteria: ACMG Guidelines, 2015. Collection method: clinical testing. Allele origin: germline.
Comment: This variant is predicted to result in loss of function through nonsense-mediated decay of the encoded transcript or premature truncation of the encoded protein in a gene in which loss of function is a known mechanism of disease (ACMG/AMP: PVS1). This variant has been reported at an elevated frequency in affected individuals/in multiple affected individuals in the literature (ACMG/AMP: PS4; PMIDs:8664912, 17311297, 17914445, 18546366, 25788518). This variant is absent from or present at an exceedingly low frequency in gnomAD, a large-scale control population database (ACMG/AMP: PM2).

Fulgent Genetics
Classification: Pathogenic for Neurofibromatosis, type 1; Neurofibromatosis, familial spinal; Café-au-lait macules with pulmonary stenosis; Neurofibromatosis-Noonan syndrome; Juvenile myelomonocytic leukemia. Last evaluated: 2024-06-14. Review status: criteria provided, single submitter. Criteria: ACMG Guidelines, 2015. Collection method: clinical testing. Allele origin: germline.

Swedish National ChiCaP Initative, Genomic Medicine Sweden
Classification: Pathogenic for NF1-related disorder. Last evaluated: 2024-05-01. Review status: criteria provided, single submitter. Criteria: ACMG Guidelines, 2015. Collection method: clinical testing. Allele origin: de novo. Affected: yes.

Blueprint Genetics
Classification: Pathogenic for NF1-related disorders. Last evaluated: 2023-11-09. Review status: criteria provided, single submitter. Criteria: ACMG Guidelines, 2015. Collection method: clinical testing. Allele origin: germline. Affected: yes. Observed: 5 variant alleles.

Baylor Genetics
Classification: Pathogenic for Juvenile myelomonocytic leukemia. Last evaluated: 2023-10-29. Review status: criteria provided, single submitter. Criteria: ACMG Guidelines, 2015. Collection method: clinical testing. Allele origin: unknown.

Mayo Clinic Laboratories, Mayo Clinic
Classification: Pathogenic. Last evaluated: 2023-02-14. Review status: criteria provided, single submitter. Criteria: ACMG Guidelines, 2015. Collection method: clinical testing. Allele origin: germline. Observed: 6 variant alleles.
Comment: PP4, PM2, PM6_supporting, PS4_moderate, PVS1

GeneDx
Classification: Pathogenic. Last evaluated: 2022-06-07. Review status: criteria provided, single submitter. Criteria: GeneDx Variant Classification Process June 2021. Collection method: clinical testing. Allele origin: germline. Affected: yes.
Comment: Frameshift variant predicted to result in protein truncation or nonsense mediated decay in a gene for which loss-of-function is a known mechanism of disease; Not observed at significant frequency in large population cohorts (gnomAD); This variant is associated with the following publications: (PMID: 22155606, 28891274, 28152038, 30104415, 32581362, 19738042, 8664912, 21354044, 27838393, 14722917, 24676424, 19142971, 26969325, 28955729, 29849115, 29909963, 25788518, 18546366, 29079545, 27284375, 31201679, 31717729, 32575496, 31370276, 33443663, 31776437)

Institute of Medical Genetics, University of Zurich
Classification: Pathogenic for Neurofibromatosis, type 1. Last evaluated: 2022-05-12. Review status: criteria provided, single submitter. Criteria: ACMG Guidelines, 2015. Collection method: clinical testing. Allele origin: de novo. Affected: yes.

CeGaT Center for Human Genetics Tuebingen
Classification: Pathogenic. Last evaluated: 2022-04-01. Review status: criteria provided, single submitter. Criteria: CeGaT Center For Human Genetics Tuebingen Variant Classification Criteria Version 2. Collection method: clinical testing. Allele origin: germline. Affected: yes. Observed: 4 variant alleles.
Comment: NF1: PVS1, PS2

Genome-Nilou Lab
Classification: Pathogenic for Neurofibromatosis, type 1. Last evaluated: 2022-03-15. Review status: criteria provided, single submitter. Criteria: ACMG Guidelines, 2015. Collection method: clinical testing. Allele origin: germline. Affected: no.

MGZ Medical Genetics Center
Classification: Pathogenic for Neurofibromatosis-Noonan syndrome. Last evaluated: 2021-10-11. Review status: criteria provided, single submitter. Criteria: ACMG Guidelines, 2015. Collection method: clinical testing. Allele origin: germline. Affected: yes. Observed: 1 variant allele.
Comment: ACMG criteria applied: PVS1, PS4, PM2_SUP

Revvity Omics, Revvity
Classification: Pathogenic. Last evaluated: 2021-10-08. Review status: criteria provided, single submitter. Criteria: ACMG Guidelines, 2015. Collection method: clinical testing. Allele origin: germline.

Laboratory of Medical Genetics, National & Kapodistrian University of Athens
Classification: Pathogenic for Neurofibromatosis, type 1. Last evaluated: 2021-10-05. Review status: criteria provided, single submitter. Criteria: ACMG Guidelines, 2015. Collection method: clinical testing. Allele origin: unknown. Affected: yes.
Comment: PVS1, PM2, PP5

Illumina Laboratory Services, Illumina
Classification: Pathogenic for Neurofibromatosis, type 1. Last evaluated: 2021-02-04. Review status: criteria provided, single submitter. Criteria: ICSLVariantClassificationCriteria RUGD 01 April 2020. Collection method: clinical testing. Allele origin: unknown.
Comment: The NF1 c.1541_154delAG (p.Gln514ArgfsTer43) variant is a recurrent deletion predicted to result in a frameshift and premature termination or absence of the protein. Across a selection of the available literature, the p.Gln514ArgfsTer43 variant has been identified in at least eight affected individuals in a heterozygous state (Robinson et al. 1996; Sabbagh et al. 2013; Cali et al. 2017). This variant is not found in the Genome Aggregation Database in a region of good sequence coverage, so the variant is presumed to be rare. Based on the predicted truncating nature of the variant and application of ACMG criteria, the p.Gln514ArgfsTer43 variant is classified as pathogenic for neurofibromatosis, type 1.

Genome Diagnostics Laboratory, The Hospital for Sick Children
Classification: Pathogenic for Neurofibromatosis, type 1. Last evaluated: 2020-10-26. Review status: criteria provided, single submitter. Criteria: ACMG Guidelines, 2015. Collection method: clinical testing. Allele origin: germline. Affected: yes.

Athena Diagnostics
Classification: Pathogenic. Last evaluated: 2020-08-27. Review status: criteria provided, single submitter. Criteria: Athena Diagnostics criteria. Collection method: clinical testing. Allele origin: unknown.
Comment: This variant is expected to result in the loss of a functional protein. This variant has not been reported in large, multi-ethnic general populations. This variant has been identified in multiple unrelated individuals with clinical features associated with this gene.

Medical Genetics, University of Parma
Classification: Pathogenic for Neurofibromatosis, type 1. Last evaluated: 2019-12-20. Review status: criteria provided, single submitter. Criteria: ACMG Guidelines, 2015. Collection method: clinical testing. Allele origin: germline. Affected: yes.

Academic Department of Medical Genetics, University of Cambridge
Classification: Pathogenic for Hereditary cancer-predisposing syndrome. Last evaluated: 2018-01-26. Review status: criteria provided, single submitter. Criteria: ACMG Guidelines, 2015. Collection method: research. Allele origin: germline. Affected: yes. Observed: 1 heterozygote.
Comment: Application of AMCG guidelines 2015. Used other ClinVar submission evidence where relevant. Loss of heterozygosity in tumours or immunohistochemistry abnormalities considered functional evidence of pathogenicity.

Identified as part of research study of individuals with multiple primary tumours referred for genetic assessment

Center for Human Genetics, Inc
Classification: Pathogenic for Neurofibromatosis, type 1. Last evaluated: 2016-11-01. Review status: criteria provided, single submitter. Criteria: ACMG Guidelines, 2015. Collection method: clinical testing. Allele origin: germline. Affected: yes.

Centre for Mendelian Genomics, University Medical Centre Ljubljana
Classification: Pathogenic for Neurofibromatosis, type 1. Last evaluated: 2016-01-01. Review status: criteria provided, single submitter. Criteria: ACMG Guidelines, 2015. Collection method: clinical testing. Allele origin: unknown. Affected: yes.
Comment: This variant was classified as: Pathogenic.

Ambry Genetics
Classification: Pathogenic for Hereditary cancer-predisposing syndrome. Last evaluated: 2014-07-10. Review status: criteria provided, single submitter. Criteria: Ambry Autosomal Dominant and X-Linked criteria (10/2015). Collection method: clinical testing. Allele origin: germline. Observed: 1 variant allele.
Comment: The c.1541_1542delAG pathogenic mutation, located in coding exon 14 of the NF1 gene, results from a deletion of two nucleotides between nucleotide positions 1541 and 1542, causing a translational frameshift with a predicted alternate stop codon. <span style="background-color:initial">This mutation has been described to occurde novoin several NF1 patients in the literature, indicating the recurrent nature of this mutation (Ars E et al. J. Med. Genet. 2003 Jun;40(6):e82 and Robinson et al.Hum. Mutat.<span style="background-color:initial">1996 ;7(1):85-8<span style="background-color:initial">).<span style="background-color:initial"><span style="background-color:initial">In addition to the clinical data presented in the literature, s<span style="background-color:initial">ince frameshifts are typically deleterious in nature, this alteration is interpreted as a disease-causing mutation (ACMG Recommendations for Standards for Interpretation and Reporting of Sequence Variations. Revision 2007. Genet Med. 2008;10:294).

Juno Genomics, Hangzhou Juno Genomics, Inc
Classification: Pathogenic for Neurofibromatosis, type 1. Review status: criteria provided, single submitter. Criteria: ACMG Guidelines, 2015. Collection method: clinical testing. Allele origin: germline.
Comment: Absent from controls (or at extremely low frequency if recessive) in Genome Aggregation Database.;Null variant in a gene where loss of function (LOF) is a known mechanism of disease.;The prevalence of the variant in affected individuals is significantly increased compared to the prevalence in controls.;Patient's phenotype or family history is highly specific for a disease with a single genetic etiology.

OMIM
Classification: Pathogenic for NEUROFIBROMATOSIS, TYPE I. Last evaluated: 1996-01-01. Review status: no assertion criteria provided. Collection method: literature only. Allele origin: germline. Not counted in ClinVar's aggregate classification.

Clinical Genetics DNA and cytogenetics Diagnostics Lab, Erasmus MC, Erasmus Medical Center
Classification: Pathogenic. Review status: no assertion criteria provided. Collection method: clinical testing. Allele origin: germline. Affected: yes. Study: VKGL Data-share Consensus. Not counted in ClinVar's aggregate classification.

Joint Genome Diagnostic Labs from Nijmegen and Maastricht, Radboudumc and MUMC+
Classification: Pathogenic. Review status: no assertion criteria provided. Collection method: clinical testing. Allele origin: germline. Affected: yes. Study: VKGL Data-share Consensus. Not counted in ClinVar's aggregate classification.

Literature cited by the submitters: PubMed 8664912 (cited by 7 submitters); PubMed 25788518 (cited by 4 submitters); PubMed 27284375 (cited by Department of Molecular Genetics, Istishari Arab Hospital); PubMed 10712197 (cited by Labcorp Genetics (formerly Invitae), Labcorp); PubMed 23913538 (cited by Labcorp Genetics (formerly Invitae), Labcorp and Illumina Laboratory Services, Illumina); PubMed 17311297 (cited by 3 submitters); PubMed 17914445 (cited by 3 submitters); PubMed 18546366 (cited by 3 submitters); PubMed 26969325 (cited by Labcorp Genetics (formerly Invitae), Labcorp and Athena Diagnostics); PubMed 27838393 (cited by Illumina Laboratory Services, Illumina); PubMed 12807981 (cited by Ambry Genetics); PubMed 19738042 (cited by Ambry Genetics).